The following is an entry in ClinVar:

ClinVar aggregate classification (germline): Benign/Likely benign. Review status: criteria provided, multiple submitters, no conflicts (2 of 4 stars). 2 submissions from 2 submitters: Benign (1); Likely benign (1). Last evaluated 2025-03-23.

Conditions:
Familial cancer of breast. Also called: hereditary breast carcinoma; Hereditary breast cancer; BREAST CANCER, FAMILIAL. Identifiers: Orphanet 227535, MedGen C0346153, MONDO:0016419, OMIM 114480. Disease mechanism: loss of function.

Submissions (2):

Labcorp Genetics (formerly Invitae), Labcorp
Classification: Likely benign for Familial cancer of breast. Last evaluated: 2025-03-23. Review status: criteria provided, single submitter. Criteria: Invitae Variant Classification Sherloc (09022015). Collection method: clinical testing. Allele origin: germline.

Myriad Genetics, Inc.
Classification: Benign for Familial cancer of breast. Last evaluated: 2024-07-22. Review status: criteria provided, single submitter. Criteria: Myriad Autosomal Dominant, Autosomal Recessive and X-Linked Classification Criteria (2023). Collection method: clinical testing. Allele origin: unknown.
Comment: This variant is considered benign. This variant is a silent/synonymous amino acid change and it is not expected to impact splicing.

NM_000465.4(BARD1):c.450A>G (p.Arg150=)

Gene: BARD1 (BRCA1 associated RING domain 1; minus strand). Cytogenetic location: 2q35.
Variant type: single nucleotide variant.
Coding change: c.450A>G on transcript NM_000465.4 (MANE Select); coding-DNA position 450, A replaced by G.
Protein change: p.Arg150=; no amino-acid change (arginine 150 retained).
Molecular consequence: synonymous variant. On other transcripts: non-coding transcript variant (2), intron variant (3).
Genome position (GRCh38, 1-based): chr2:214,781,424, T>C on the plus strand (A>G on the coding strand, the complement: BARD1 is on the minus strand). VCF-style: chr2-214781424-T-C. GRCh37 (hg19) VCF-style: chr2-215646148-T-C.
Other names: c.393A>G, p.Arg131= (NM_001282543.2); c.158+27988A>G (NM_001282548.2); c.215+15637A>G (NM_001282545.2); c.364+10873A>G (NM_001282549.2).
Identifiers: ClinVar variation 3379367 (VCV003379367.2).